The following is an entry in ClinVar:

ClinVar aggregate classification (germline): Uncertain significance (1 of 4 stars; one submission).

Conditions:
GRN-related frontotemporal lobar degeneration with Tdp43 inclusions (FTD2). Also called: DEMENTIA, HEREDITARY DYSPHASIC DISINHIBITION; FRONTOTEMPORAL LOBAR DEGENERATION WITH UBIQUITIN-POSITIVE INCLUSIONS; FTLD-TDP, GRN-RELATED; GRN Frontotemporal Dementia; FRONTOTEMPORAL DEMENTIA WITH TDP43 INCLUSIONS, GRN-RELATED. Identifiers: Orphanet 100070, Orphanet 282, MedGen C1843792, MONDO:0011842, OMIM 607485. Disease mechanism: loss of function.
Neuronal ceroid lipofuscinosis 11. Also called: GRN-Related Neuronal Ceroid-Lipofuscinosis. Identifiers: Orphanet 314629, Orphanet 79262, MedGen C3539123, MONDO:0013866, OMIM 614706.

Submission:

Labcorp Genetics (formerly Invitae), Labcorp
Classification: Uncertain significance for Neuronal ceroid lipofuscinosis 11; GRN-related frontotemporal lobar degeneration with Tdp43 inclusions. Last evaluated: 2024-01-14. Review status: criteria provided, single submitter. Criteria: Invitae Variant Classification Sherloc (09022015). Collection method: clinical testing. Allele origin: germline.
Comment: This sequence change replaces aspartic acid, which is acidic and polar, with histidine, which is basic and polar, at codon 242 of the GRN protein (p.Asp242His). This variant is not present in population databases (gnomAD no frequency). This variant has not been reported in the literature in individuals affected with GRN-related conditions. Advanced modeling of protein sequence and biophysical properties (such as structural, functional, and spatial information, amino acid conservation, physicochemical variation, residue mobility, and thermodynamic stability) performed at Invitae indicates that this missense variant is expected to disrupt GRN protein function with a positive predictive value of 80%. In summary, the available evidence is currently insufficient to determine the role of this variant in disease. Therefore, it has been classified as a Variant of Uncertain Significance.

NM_002087.4(GRN):c.724G>C (p.Asp242His)

Genes: GRN (granulin precursor; plus strand), LOC125177489 (Sharpr-MPRA regulatory region 15390; plus strand). Cytogenetic location: 17q21.31.
Variant type: single nucleotide variant.
Coding change: c.724G>C on transcript NM_002087.4 (MANE Select); coding-DNA position 724, G replaced by C.
Protein change: p.Asp242His; replaces aspartic acid 242 with histidine.
Molecular consequence: missense variant.
Genome position (GRCh38, 1-based): chr17:44,351,052, G>C. VCF-style: chr17-44351052-G-C. GRCh37 (hg19) VCF-style: chr17-42428420-G-C.
Other names: short protein forms D242H.
Identifiers: ClinVar variation 2937002 (VCV002937002.3), dbSNP rs1302545748, ClinGen allele CA399764559.